The following is an entry in ClinVar:

ClinVar aggregate classification (germline): Uncertain significance. Review status: criteria provided, single submitter (1 of 4 stars). 2 submissions from 2 submitters: Uncertain significance (1). 1 of the submissions does not count toward it. Last evaluated 2022-06-13.

Conditions:
Myoclonic epilepsy. Identifiers: MedGen C0014550, MONDO:0100577.
Early-infantile DEE. Also called: Ohtahara syndrome; Early infantile epileptic encephalopathy; Early infantile epileptic encephalopathy with suppression bursts. Identifiers: Orphanet 1934, MedGen C0393706, MONDO:0800491.

gnomAD v4.1: 3 of 1,614,044 alleles (0.00019%); highest among the groups gnomAD compares: African/African-American, 0.004%; no homozygotes.

Submissions (2):

Labcorp Genetics (formerly Invitae), Labcorp
Classification: Uncertain significance for Early-infantile DEE. Last evaluated: 2022-06-13. Review status: criteria provided, single submitter. Criteria: Invitae Variant Classification Sherloc (09022015). Collection method: clinical testing. Allele origin: germline.
Comment: In summary, the available evidence is currently insufficient to determine the role of this variant in disease. Therefore, it has been classified as a Variant of Uncertain Significance. Advanced modeling of protein sequence and biophysical properties (such as structural, functional, and spatial information, amino acid conservation, physicochemical variation, residue mobility, and thermodynamic stability) performed at Invitae indicates that this missense variant is not expected to disrupt SCN1A protein function. ClinVar contains an entry for this variant (Variation ID: 560660). This missense change has been observed in individual(s) with clinical features of SCN1A-related conditions (Invitae). This variant is not present in population databases (gnomAD no frequency). This sequence change replaces arginine, which is basic and polar, with proline, which is neutral and non-polar, at codon 630 of the SCN1A protein (p.Arg630Pro).

Clinical Molecular Genetics Laboratory, Johns Hopkins All Children's Hospital
Classification: Uncertain significance for myoclonic epilepsy. Last evaluated: 2016-09-28. Review status: no assertion criteria provided. Collection method: clinical testing. Allele origin: germline. Affected: yes. Not counted in ClinVar's aggregate classification.

NM_001165963.4(SCN1A):c.1889G>C (p.Arg630Pro)

Gene: SCN1A (sodium voltage-gated channel alpha subunit 1; minus strand). Cytogenetic location: 2q24.3.
Variant type: single nucleotide variant.
Coding change: c.1889G>C on transcript NM_001165963.4 (MANE Select); coding-DNA position 1889, G replaced by C.
Protein change: p.Arg630Pro; replaces arginine 630 with proline.
Molecular consequence: missense variant. On other transcripts: 5 prime UTR variant (1), non-coding transcript variant (1).
Genome position (GRCh38, 1-based): chr2:166,043,823, C>G on the plus strand (G>C on the coding strand, the complement: SCN1A is on the minus strand). VCF-style: chr2-166043823-C-G. GRCh37 (hg19) VCF-style: chr2-166900333-C-G.
Other names: c.1889G>C, p.Arg630Pro (NM_001165964.3, NM_001202435.3, NM_001353948.2 and 7 more transcripts); c.1886G>C, p.Arg629Pro (NM_001353954.2, NM_001353955.2, NM_001353960.2); c.-537G>C (NM_001353961.2); short protein forms R630P, R629P.
Identifiers: ClinVar variation 560660 (VCV000560660.10), dbSNP rs145670933, ClinGen allele CA349067358.
Genomic context (GRCh38, chr2:166,043,823, plus strand): 5'-ACACCATTGCAATCCACAGTGCTGTGCATCTTCCCATTCGCTGGAAACACTGCCAGCATC[C>G]GGGATGACCTACTGGTCTGACTCAGGTTGCTGTTGCGTCTCTCTCCGTGTCGTCGGGGCA-3'
Protein context (NP_001159435.1, residues 620-640): SNLSQTSRSS[Arg630Pro]MLAVFPANGK